The following is an entry in ClinVar:

ClinVar aggregate classification (germline): Uncertain significance (1 of 4 stars; one submission).

Conditions:
Early Myoclonic Encephalopathy. Identifiers: MedGen C0270855.

Allele frequency attached by ClinVar (database versions not stated): TOPMed below 0.00001; gnomAD 0.00001; gnomAD exomes below 0.00001.
gnomAD v4.1: 2 of 1,612,216 alleles (0.00012%); highest among the groups gnomAD compares: Non-Finnish European, 0.00017%; no homozygotes.

Submission:

Labcorp Genetics (formerly Invitae), Labcorp
Classification: Uncertain significance for Early Myoclonic Encephalopathy. Last evaluated: 2022-09-06. Review status: criteria provided, single submitter. Criteria: Invitae Variant Classification Sherloc (09022015). Collection method: clinical testing. Allele origin: germline.
Comment: This variant is not present in population databases (gnomAD no frequency). In summary, the available evidence is currently insufficient to determine the role of this variant in disease. Therefore, it has been classified as a Variant of Uncertain Significance. Algorithms developed to predict the effect of missense changes on protein structure and function output the following: SIFT: "Tolerated"; PolyPhen-2: "Benign"; Align-GVGD: "Class C0". The methionine amino acid residue is found in multiple mammalian species, which suggests that this missense change does not adversely affect protein function. ClinVar contains an entry for this variant (Variation ID: 651138). This variant has not been reported in the literature in individuals affected with JMJD1C-related conditions. This sequence change replaces isoleucine, which is neutral and non-polar, with methionine, which is neutral and non-polar, at codon 1578 of the JMJD1C protein (p.Ile1578Met).

NM_032776.3(JMJD1C):c.4734T>G (p.Ile1578Met)

Gene: JMJD1C (jumonji domain containing 1C; minus strand). Cytogenetic location: 10q21.3.
Variant type: single nucleotide variant.
Coding change: c.4734T>G on transcript NM_032776.3 (MANE Select); coding-DNA position 4734, T replaced by G.
Protein change: p.Ile1578Met; replaces isoleucine 1578 with methionine.
Molecular consequence: missense variant. On other transcripts: non-coding transcript variant (1).
Genome position (GRCh38, 1-based): chr10:63,206,935, A>C on the plus strand (T>G on the coding strand, the complement: JMJD1C is on the minus strand). VCF-style: chr10-63206935-A-C. GRCh37 (hg19) VCF-style: chr10-64966695-A-C.
Other names: c.4188T>G, p.Ile1396Met (NM_001282948.2, NM_001318154.2); c.3870T>G, p.Ile1290Met (NM_001318153.2); c.4620T>G, p.Ile1540Met (NM_001322252.2); c.4077T>G, p.Ile1359Met (NM_001322254.2, NM_001322258.2); short protein forms I1290M, I1396M, I1359M, I1578M, I1540M.
Identifiers: ClinVar variation 651138 (VCV000651138.10), dbSNP rs1296593462, ClinGen allele CA377036665.